The following is an entry in ClinVar:

ClinVar aggregate classification (germline): Uncertain significance. Review status: criteria provided, multiple submitters, no conflicts (2 of 4 stars). 2 submissions from 2 submitters: Uncertain significance (2). Last evaluated 2024-11-26.

Conditions:
Hereditary spastic paraplegia 7 (SPG7). Also called: Spastic paraplegia 7; Hereditary spastic paraplegia Paraplegin type; SPASTIC PARAPLEGIA 7, AUTOSOMAL RECESSIVE, WITH OR WITHOUT CEREBELLAR ATAXIA; SPG7-related neurologic disorder; Autosomal recessive spastic paraplegia type 7. Identifiers: Orphanet 99013, MedGen C1846564, MONDO:0011803, OMIM 607259.

gnomAD v4.1: 1 of 1,598,988 alleles (0.000063%); highest among the groups gnomAD compares: Non-Finnish European, 0.000086%; no homozygotes.

Submissions (2):

Labcorp Genetics (formerly Invitae), Labcorp
Classification: Uncertain significance for Hereditary spastic paraplegia 7. Last evaluated: 2024-11-26. Review status: criteria provided, single submitter. Criteria: Invitae Variant Classification Sherloc (09022015). Collection method: clinical testing. Allele origin: germline.
Comment: This sequence change replaces glutamine, which is neutral and polar, with histidine, which is basic and polar, at codon 93 of the SPG7 protein (p.Gln93His). This variant is not present in population databases (gnomAD no frequency). This variant has not been reported in the literature in individuals affected with SPG7-related conditions. Invitae Evidence Modeling of protein sequence and biophysical properties (such as structural, functional, and spatial information, amino acid conservation, physicochemical variation, residue mobility, and thermodynamic stability) indicates that this missense variant is not expected to disrupt SPG7 protein function with a negative predictive value of 95%. In summary, the available evidence is currently insufficient to determine the role of this variant in disease. Therefore, it has been classified as a Variant of Uncertain Significance.

Mayo Clinic Laboratories, Mayo Clinic
Classification: Uncertain significance. Last evaluated: 2023-11-13. Review status: criteria provided, single submitter. Criteria: ACMG Guidelines, 2015. Collection method: clinical testing. Allele origin: germline. Observed: 1 variant allele.
Comment: BP4, PM2_moderate

NM_003119.4(SPG7):c.279A>C (p.Gln93His)

Gene: SPG7 (SPG7 matrix AAA peptidase subunit, paraplegin; plus strand). Cytogenetic location: 16q24.3.
Variant type: single nucleotide variant.
Coding change: c.279A>C on transcript NM_003119.4 (MANE Select); coding-DNA position 279, A replaced by C.
Protein change: p.Gln93His; replaces glutamine 93 with histidine.
Molecular consequence: missense variant.
Genome position (GRCh38, 1-based): chr16:89,510,585, A>C. VCF-style: chr16-89510585-A-C. GRCh37 (hg19) VCF-style: chr16-89576993-A-C.
Other names: p.Gln93His; c.279A>C, p.Gln93His (NM_001363850.1, NM_199367.3); short protein forms Q93H.
Identifiers: ClinVar variation 3380441 (VCV003380441.3).